The following is an entry in ClinVar:

NM_001271938.2(MEGF8):c.3814G>A (p.Val1272Met)

Gene: MEGF8 (multiple EGF like domains 8; plus strand). Cytogenetic location: 19q13.2.
Variant type: single nucleotide variant.
Coding change: c.3814G>A on transcript NM_001271938.2 (MANE Select); coding-DNA position 3814, G replaced by A.
Protein change: p.Val1272Met; replaces valine 1272 with methionine.
Molecular consequence: missense variant.
Genome position (GRCh38, 1-based): chr19:42,353,827, G>A. VCF-style: chr19-42353827-G-A. GRCh37 (hg19) VCF-style: chr19-42857979-G-A.
Other names: c.3613G>A, p.Val1205Met (NM_001410.3); short protein forms V1205M, V1272M.
Identifiers: ClinVar variation 1008904 (VCV001008904.8), dbSNP rs770399527, ClinGen allele CA9475098.

ClinVar aggregate classification (germline): Uncertain significance (1 of 4 stars; one submission).

Conditions:
MEGF8-related Carpenter syndrome. Also called: Carpenter syndrome 2. Identifiers: Orphanet 65759, MedGen C3554247, MONDO:0013998, OMIM 614976.

gnomAD v4.1: 4 of 1,611,558 alleles (0.00025%); highest among the groups gnomAD compares: Non-Finnish European, 0.00034%; no homozygotes.

Submission:

Labcorp Genetics (formerly Invitae), Labcorp
Classification: Uncertain significance for MEGF8-related Carpenter syndrome. Last evaluated: 2020-06-16. Review status: criteria provided, single submitter. Criteria: Invitae Variant Classification Sherloc (09022015). Collection method: clinical testing. Allele origin: germline.
Comment: In summary, the available evidence is currently insufficient to determine the role of this variant in disease. Therefore, it has been classified as a Variant of Uncertain Significance. Algorithms developed to predict the effect of missense changes on protein structure and function are either unavailable or do not agree on the potential impact of this missense change (SIFT: "Deleterious"; PolyPhen-2: "Possibly Damaging"; Align-GVGD: "Class C0"). This variant has not been reported in the literature in individuals with MEGF8-related conditions. This variant is present in population databases (rs770399527, ExAC 0.002%). This sequence change replaces valine with methionine at codon 1205 of the MEGF8 protein (p.Val1205Met). The valine residue is moderately conserved and there is a small physicochemical difference between valine and methionine.